The following is an entry in ClinVar:

NM_005148.4(UNC119):c.164A>G (p.Gln55Arg)

Genes: UNC119 (unc-119 lipid binding chaperone; minus strand), LOC130060555 (ATAC-STARR-seq lymphoblastoid silent region 8343; plus strand). Cytogenetic location: 17q11.2.
Variant type: single nucleotide variant.
Coding change: c.164A>G on transcript NM_005148.4 (MANE Select); coding-DNA position 164, A replaced by G.
Protein change: p.Gln55Arg; replaces glutamine 55 with arginine.
Molecular consequence: missense variant. On other transcripts: 5 prime UTR variant (1).
Genome position (GRCh38, 1-based): chr17:28,552,394, T>C on the plus strand (A>G on the coding strand, the complement: UNC119 is on the minus strand). VCF-style: chr17-28552394-T-C. GRCh37 (hg19) VCF-style: chr17-26879412-T-C.
Other names: c.-150A>G (NM_001330166.2); c.164A>G, p.Gln55Arg (NM_054035.2); short protein forms Q55R.
Identifiers: ClinVar variation 962191 (VCV000962191.5), dbSNP rs769040443, ClinGen allele CA8459899.
Genomic context (GRCh38, chr17:28,552,394, plus strand): 5'-TCACCACCGGTGATCCGCTGCAGCCCCAGCACGTCCTCCGGCCCGATCGGCTGCTTCCTC[T>C]GCAGCGGCCCCGGCCTGGGCCCTGGGCCTGCGTCCGGCTCCGACTCGGACCCAGATTCGG-3'
Protein context (NP_005139.1, residues 45-65): AGPGPRPGPL[Gln55Arg]RKQPIGPEDV

ClinVar aggregate classification (germline): Uncertain significance (1 of 4 stars; one submission).

Allele frequency attached by ClinVar (database versions not stated): ExAC 0.00007.

Submission:

Labcorp Genetics (formerly Invitae), Labcorp
Classification: Uncertain significance. Last evaluated: 2019-09-10. Review status: criteria provided, single submitter. Criteria: Invitae Variant Classification Sherloc (09022015). Collection method: clinical testing. Allele origin: germline.
Comment: In summary, the available evidence is currently insufficient to determine the role of this variant in disease. Therefore, it has been classified as a Variant of Uncertain Significance. Algorithms developed to predict the effect of missense changes on protein structure and function output the following: SIFT: "Tolerated"; PolyPhen-2: "Benign"; Align-GVGD: "Class C0". The arginine amino acid residue is found in multiple mammalian species, suggesting that this missense change does not adversely affect protein function. These predictions have not been confirmed by published functional studies and their clinical significance is uncertain. This variant has not been reported in the literature in individuals with UNC119-related conditions. This variant is present in population databases (rs769040443, ExAC 0.02%). This sequence change replaces glutamine with arginine at codon 55 of the UNC119 protein (p.Gln55Arg). The glutamine residue is weakly conserved and there is a small physicochemical difference between glutamine and arginine.